The following is an entry in ClinVar:

NM_004415.4(DSP):c.3616T>A (p.Leu1206Ile)

Gene: DSP (desmoplakin; plus strand). Cytogenetic location: 6p24.3.
Variant type: single nucleotide variant.
Coding change: c.3616T>A on transcript NM_004415.4 (MANE Select); coding-DNA position 3616, T replaced by A.
Protein change: p.Leu1206Ile; replaces leucine 1206 with isoleucine.
Molecular consequence: missense variant. On other transcripts: intron variant (1).
Genome position (GRCh38, 1-based): chr6:7,579,806, T>A. VCF-style: chr6-7579806-T-A. GRCh37 (hg19) VCF-style: chr6-7580039-T-A.
Other names: p.L1206I:TTA>ATA; c.3616T>A (LRG_423t1, NM_004415.3); c.3616T>A, p.Leu1206Ile (NM_001319034.2); c.3582+34T>A (NM_001008844.3); short protein forms L1206I.
Identifiers: ClinVar variation 199839 (VCV000199839.34), dbSNP rs151115778, ClinGen allele CA004293.

ClinVar aggregate classification (germline): Conflicting classifications of pathogenicity. Review status: criteria provided, conflicting classifications (1 of 4 stars). 12 submissions from 12 submitters: Uncertain significance (8); Likely benign (3). 1 of the submissions does not count toward it. Last evaluated 2026-01-09.

Conditions:
Cardiovascular phenotype. Identifiers: MedGen CN230736.
Arrhythmogenic right ventricular cardiomyopathy (ARVD). Also called: Arrhythmogenic cardiomyopathy; Arrhythmogenic Right Ventricular Cardiomyopathy (ARVC); Cardiomyopathy, ARVC; Arrhythmogenic right ventricular dysplasia. Identifiers: Orphanet 247, MedGen C0349788, MeSH D019571, MONDO:0016587. Disease mechanism: loss of function. Inheritance: Various modes of inheritance.
Arrhythmogenic cardiomyopathy with wooly hair and keratoderma. Also called: Arrhythmogenic cardiomyopathy with woolly hair and keratoderma; Carvajal syndrome; Dilated cardiomyopathy with woolly hair and keratoderma; PALMOPLANTAR KERATODERMA WITH LEFT VENTRICULAR CARDIOMYOPATHY AND WOOLLY HAIR. Identifiers: Orphanet 65282, MedGen C1854063, MONDO:0011581, OMIM 605676.
Arrhythmogenic right ventricular dysplasia 8 (ARVD8). Also called: Arrhythmogenic Right Ventricular Dysplasia/Cardiomyopathy 8; ARRHYTHMOGENIC RIGHT VENTRICULAR DYSPLASIA, FAMILIAL, 8; ARRHYTHMOGENIC RIGHT VENTRICULAR CARDIOMYOPATHY 8. Identifiers: MedGen C1843896, MONDO:0011831, OMIM 607450.
Cardiomyopathy (CMYO). Also called: Cardiomyopathies. Identifiers: Orphanet 167848, MedGen C0878544, MONDO:0004994, HP:0001638. Inheritance: Various modes of inheritance.
Dilated cardiomyopathy 1S (CMD1S). Identifiers: Orphanet 154, Orphanet 54260, MedGen C1834481, MONDO:0013262, OMIM 613426.

Allele frequency attached by ClinVar (database versions not stated): gnomAD 0.00009 and 0.00010; gnomAD exomes 0.00009; ESP Exome Variant Server 0.00023; TOPMed 0.00008; ExAC 0.00009.
gnomAD v4.1: 142 of 1,613,524 alleles (0.0088%); highest among the groups gnomAD compares: Non-Finnish European, 0.011%; no homozygotes.

Submissions (12):

Labcorp Genetics (formerly Invitae), Labcorp
Classification: Likely benign for Arrhythmogenic cardiomyopathy with wooly hair and keratoderma; Arrhythmogenic right ventricular dysplasia 8. Last evaluated: 2026-01-09. Review status: criteria provided, single submitter. Criteria: Invitae Variant Classification Sherloc (09022015). Collection method: clinical testing. Allele origin: germline.

GeneDx
Classification: Uncertain significance. Last evaluated: 2025-10-06. Review status: criteria provided, single submitter. Criteria: GeneDx Variant Classification Process June 2021. Collection method: clinical testing. Allele origin: germline. Affected: yes.
Comment: In silico analysis suggests that this missense variant does not alter protein structure/function; This variant is associated with the following publications: (PMID: 35882527, 29253866)

Ambry Genetics
Classification: Uncertain significance for Cardiovascular phenotype. Last evaluated: 2025-08-09. Review status: criteria provided, single submitter. Criteria: Ambry Variant Classification Scheme 2023. Collection method: clinical testing. Allele origin: germline.

Molecular Diagnostic Laboratory for Inherited Cardiovascular Disease, Montreal Heart Institute
Classification: Likely benign. Last evaluated: 2025-02-17. Review status: criteria provided, single submitter. Criteria: ACMG Guidelines, 2015. Collection method: clinical testing. Allele origin: germline. Affected: no.

All of Us Research Program, National Institutes of Health
Classification: Uncertain significance for Arrhythmogenic cardiomyopathy with wooly hair and keratoderma. Last evaluated: 2024-09-23. Review status: criteria provided, single submitter. Criteria: ACMG Guidelines, 2015. Collection method: clinical testing. Allele origin: germline. Inheritance: Autosomal dominant inheritance. Observed: 32 variant alleles, 32 heterozygotes.
Comment: This missense variant replaces leucine with isoleucine at codon 1206 of the DSP protein. Computational prediction suggests that this variant may not impact protein structure and function (internally defined REVEL score threshold <= 0.5, PMID: 27666373). To our knowledge, functional studies have not been reported for this variant. This variant has not been reported in individuals affected with cardiovascular disorders in the literature. This variant has been identified in 26/282508 chromosomes in the general population by the Genome Aggregation Database (gnomAD). The available evidence is insufficient to determine the role of this variant in disease conclusively. Therefore, this variant is classified as a Variant of Uncertain Significance.

This study involves interpretation of variants in research participants for the purpose of population health screening. Participant phenotype was not available at the time of variant classification. Additional details can be found in publication PMID: 35346344, PMCID: PMC8962531

Color Diagnostics, LLC DBA Color Health
Classification: Uncertain significance for Cardiomyopathy. Last evaluated: 2024-02-08. Review status: criteria provided, single submitter. Criteria: ACMG Guidelines, 2015. Collection method: clinical testing. Allele origin: germline.
Comment: This missense variant replaces leucine with isoleucine at codon 1206 of the DSP protein. Computational prediction suggests that this variant may not impact protein structure and function (internally defined REVEL score threshold <= 0.5, PMID: 27666373). To our knowledge, functional studies have not been reported for this variant. This variant has not been reported in individuals affected with cardiovascular disorders in the literature. This variant has been identified in 26/282508 chromosomes in the general population by the Genome Aggregation Database (gnomAD). The available evidence is insufficient to determine the role of this variant in disease conclusively. Therefore, this variant is classified as a Variant of Uncertain Significance.

Blueprint Genetics
Classification: Uncertain significance. Last evaluated: 2023-04-11. Review status: criteria provided, single submitter. Criteria: ACMG Guidelines, 2015. Collection method: clinical testing. Allele origin: germline.

CHEO Genetics Diagnostic Laboratory, Children's Hospital of Eastern Ontario
Classification: Uncertain significance for Cardiomyopathy. Last evaluated: 2021-09-20. Review status: criteria provided, single submitter. Criteria: ACMG Guidelines, 2015. Collection method: clinical testing. Allele origin: germline.

Women's Health and Genetics/Laboratory Corporation of America, LabCorp
Classification: Likely benign. Last evaluated: 2018-10-15. Review status: criteria provided, single submitter. Criteria: LabCorp Variant Classification Summary - May 2015. Collection method: clinical testing. Allele origin: germline.
Comment: Variant summary: DSP c.3616T>A (p.Leu1206Ile) results in a conservative amino acid change in the encoded protein sequence. Four of five in-silico tools predict a benign effect of the variant on protein function. The variant allele was found at a frequency of 9e-05 in 276874 control chromosomes, predominantly at a frequency of 0.00019 within the Non-Finnish European subpopulation in the gnomAD database. The observed variant frequency within Non-Finnish European control individuals in the gnomAD database is approximately 19 fold of the estimated maximal expected allele frequency for a pathogenic variant in DSP causing Arrhythmia phenotype (1e-05), strongly suggesting that the variant is a benign polymorphism found primarily in populations of Non-Finnish European origin. c.3616T>A has been reported in the literature in a DCM family segregating with a likely pathogenic (class IV) RBM20 variant, p.Ser635Cys that the authors believed to be the cause for disease (Klauke_2017). This DSP variant was classified as a VUS (class 3 variant) and was reportedly identified in all genetically tested family members in this study. We interpret this to mean that the variant was present in both affected (i.e., the RBM20 variant positive) and unaffected (i.e., the RBM20 negative) members of this DCM kindred. To our knowledge, no experimental evidence demonstrating an impact on protein function has been reported. Five ClinVar submissions from clinical diagnostic laboratories (evaluation after 2014) cite the variant as uncertain significance. Based on the evidence outlined above, the variant was classified as likely benign.

Eurofins Ntd Llc (ga)
Classification: Uncertain significance. Last evaluated: 2017-03-10. Review status: criteria provided, single submitter. Criteria: EGL Classification Definitions 2015. Collection method: clinical testing. Allele origin: germline. Observed: 1 variant allele, 1 heterozygote.

Genomic Diagnostic Laboratory, Division of Genomic Diagnostics, Children's Hospital of Philadelphia
Classification: Uncertain significance for Arrhythmogenic right ventricular cardiomyopathy. Last evaluated: 2015-11-16. Review status: criteria provided, single submitter. Criteria: DGD Variant Analysis Guidelines. Collection method: clinical testing. Allele origin: unknown.

Institut für Laboratoriums- und Transfusionsmedizin, Herz- und Diabeteszentrum Nordrhein-Westfalen
Classification: Uncertain significance for Dilated cardiomyopathy 1S. Last evaluated: 2016-05-01. Review status: no assertion criteria provided. Collection method: clinical testing. Allele origin: inherited. Affected: no. Observed: 4 variant alleles. Not counted in ClinVar's aggregate classification.

Literature cited by the submitters: PubMed 29253866 (cited by Women's Health and Genetics/Laboratory Corporation of America, LabCorp).